The following is an entry in ClinVar:

ClinVar aggregate classification (germline): Conflicting classifications of pathogenicity. Review status: criteria provided, conflicting classifications (1 of 4 stars). 8 submissions from 8 submitters: Pathogenic (1); Likely pathogenic (4); Uncertain significance (2). 1 of the submissions does not count toward it. Last evaluated 2026-01-14.

Conditions:
Bloom syndrome (BLM). Also called: Bloom-Torre-Machacek syndrome. Identifiers: Orphanet 125, MedGen C0005859, MONDO:0008876, OMIM 210900.
Hereditary cancer-predisposing syndrome. Also called: Hereditary neoplastic syndrome; Neoplastic Syndromes, Hereditary; Hereditary Cancer Syndrome; Tumor predisposition. Identifiers: Orphanet 140162, MedGen C0027672, MeSH D009386, MONDO:0015356.

Submissions (8):

Myriad Genetics, Inc.
Classification: Uncertain significance for Bloom syndrome. Last evaluated: 2026-01-14. Review status: criteria provided, single submitter. Criteria: Myriad Autosomal Dominant, Autosomal Recessive and X-Linked Classification Criteria (2023). Collection method: clinical testing. Allele origin: unknown.
Comment: NM_000057.3(BLM):c.4000_4004del5(R1334Efs*11) is a frameshift variant classified as a variant of uncertain significance in the context of Bloom syndrome. R1334Efs*11 has not been observed in cases with relevant disease. Relevant functional assessments of this variant are available in the literature (PMID: 10762650, 10569803, 27657136, 9388480). R1334Efs*11 has not been observed in referenced population frequency databases. In summary, there is insufficient evidence to classify NM_000057.3(BLM):c.4000_4004del5(R1334Efs*11) as pathogenic or benign. Please note: this variant was assessed in the context of healthy population screening.

Labcorp Genetics (formerly Invitae), Labcorp
Classification: Likely pathogenic for Bloom syndrome. Last evaluated: 2026-01-13. Review status: criteria provided, single submitter. Criteria: Invitae Variant Classification Sherloc (09022015). Collection method: clinical testing. Allele origin: germline.
Comment: This sequence change creates a premature translational stop signal (p.Arg1334Glufs*11) in the BLM gene. While this is not anticipated to result in nonsense mediated decay, it is expected to disrupt the last 84 amino acid(s) of the BLM protein. This variant is not present in population databases (gnomAD no frequency). This variant has not been reported in the literature in individuals affected with BLM-related conditions. ClinVar contains an entry for this variant (Variation ID: 370136). This variant disrupts the nuclear localization signal (NLS) and the topoisomerase I (TOP1) domain of BLM protein, which are critical for BLM localization to the nucleus and TOP1-mediated RNA:DNA unwinding (PMID: 27657136, 9388480, 10569803). While functional studies have not been performed to directly test the effect of this variant on BLM protein function, this suggests that disruption of this region of the protein is causative of disease. In summary, the currently available evidence indicates that the variant is pathogenic, but additional data are needed to prove that conclusively. Therefore, this variant has been classified as Likely Pathogenic.

Otogenetics
Classification: Likely pathogenic for Bloom syndrome. Last evaluated: 2025-08-04. Review status: criteria provided, single submitter. Criteria: ACMG Guidelines, 2015. Collection method: clinical testing. Allele origin: germline. Affected: no.
Comment: PVS1_Moderate: Null variant introduces a frameshift in the nuclear localization sequence, a critical domain of a gene with loss of function as mechanism of disease (PMID 27657136); PM2: Variant not observed in gnomAD (<0.055% threshold)

Baylor Genetics
Classification: Pathogenic for Bloom syndrome. Last evaluated: 2024-03-25. Review status: criteria provided, single submitter. Criteria: ACMG Guidelines, 2015. Collection method: clinical testing. Allele origin: unknown.

Fulgent Genetics
Classification: Likely pathogenic for Bloom syndrome. Last evaluated: 2024-02-27. Review status: criteria provided, single submitter. Criteria: ACMG Guidelines, 2015. Collection method: clinical testing. Allele origin: germline.

Ambry Genetics
Classification: Uncertain significance for Hereditary cancer-predisposing syndrome. Last evaluated: 2023-05-24. Review status: criteria provided, single submitter. Criteria: Ambry Variant Classification Scheme 2023. Collection method: clinical testing. Allele origin: germline.
Comment: The c.4000_4004delAGGAA variant, located in coding exon 20 of the BLM gene, results from a deletion of 5 nucleotides at nucleotide positions 4000 to 4004, causing a translational frameshift with a predicted alternate stop codon (p.R1334Efs*11). Frameshifts are typically deleterious in nature, however, this frameshift occurs at the 3' terminus of BLM, is not expected to trigger nonsense-mediated mRNA decay, and impacts only the last 84 amino acids of the protein. This alteration changes amino acid residues within the nuclear localization signal of the BLM protein (Kaneko H et al. Biochem Biophys Res Commun. 1997 Nov 17;240(2):348-53, Gharibyan V and Youssoufian H. Mol Carcinog. 1999 Dec;26(4):261-73) and amino acid residues involved in the interaction of BLM with topoisomerase I (TOP1) (Tangeman L et al. Genes (Basel). 2016 Sep 21;7(9)). However, the exact functional impact of this alteration on BLM activity is unknown at this time. Since supporting evidence is limited at this time, the clinical significance of this variant remains unclear.

Revvity Omics, Revvity
Classification: Likely pathogenic for Bloom syndrome. Last evaluated: 2021-01-16. Review status: criteria provided, single submitter. Criteria: ACMG Guidelines, 2015. Collection method: clinical testing. Allele origin: germline.

Counsyl
Classification: Likely pathogenic for Bloom syndrome. Last evaluated: 2015-11-24. Review status: no assertion criteria provided. Collection method: clinical testing. Allele origin: unknown. Not counted in ClinVar's aggregate classification.

Literature cited by the submitters: PubMed 10569803 (cited by Myriad Genetics, Inc. and Labcorp Genetics (formerly Invitae), Labcorp); PubMed 10762650 (cited by Myriad Genetics, Inc.); PubMed 27657136 (cited by 3 submitters); PubMed 9388480 (cited by 3 submitters).

NM_000057.4(BLM):c.4000_4004del (p.Arg1334fs)

Gene: BLM (BLM RecQ like helicase; plus strand). Cytogenetic location: 15q26.1.
Variant type: Deletion.
Coding change: c.4000_4004del on transcript NM_000057.4 (MANE Select); coding-DNA positions 4000 to 4004, 5 bases deleted (AGGAA; older notation c.4000_4004delAGGAA).
Protein change: p.Arg1334fs; shifts the reading frame from arginine 1334.
Molecular consequence: frameshift variant.
Genome position (GRCh38, 1-based): chr15:90,811,330-90,811,334, AGGAA deleted; deleting any 5 consecutive bases within chr15:90,811,327-90,811,334 gives the same sequence; the c. name uses the placement nearest the transcript's 3' end. VCF-style (leftmost placement, unchanged base first): chr15-90811326-TGAAAG-T. GRCh37 (hg19) VCF-style: chr15-91354556-TGAAAG-T.
Other names: c.4000_4004del (LRG_20t1, NM_000057.3); c.4000_4004delAGGAA (NM_000057.2); c.4000_4004del, p.Arg1334fs (NM_001287246.2); c.3607_3611del, p.Arg1203fs (NM_001287247.2); c.2875_2879del, p.Arg959fs (NM_001287248.2); c.4000_4004del5 (NM_000057.2); short protein forms R1203fs, R959fs, R1334fs.
Identifiers: ClinVar variation 370136 (VCV000370136.24), dbSNP rs1057516261, ClinGen allele CA16041783.